The following is an entry in ClinVar:

NM_000051.4(ATM):c.5321T>A (p.Phe1774Tyr)

Gene: ATM (ATM serine/threonine kinase; plus strand). Cytogenetic location: 11q22.3.
Variant type: single nucleotide variant.
Coding change: c.5321T>A on transcript NM_000051.4 (MANE Select); coding-DNA position 5321, T replaced by A.
Protein change: p.Phe1774Tyr; replaces phenylalanine 1774 with tyrosine.
Molecular consequence: missense variant.
Genome position (GRCh38, 1-based): chr11:108,302,854, T>A. VCF-style: chr11-108302854-T-A. GRCh37 (hg19) VCF-style: chr11-108173581-T-A.
Other names: c.5321T>A, p.Phe1774Tyr (NM_001351834.2); short protein forms F1774Y.
Identifiers: ClinVar variation 1714993 (VCV001714993.5), dbSNP rs2546978737, ClinGen allele CA382543003.
Genomic context (GRCh38, chr11:108,302,854, plus strand): 5'-GGAAAGGTACAATGATTTCCACTTCTCTTATTTACATTTTCTAATCCCTTTCTTTCTAGT[T>A]TTTAGAAGTACCCAGATTTGACAAAGAAAACCCTTTTGAAGGCCTGGATGATATAAATCT-3'
Protein context (NP_000042.3, residues 1764-1784): LQPFRTSRKK[Phe1774Tyr]LEVPRFDKEN

ClinVar aggregate classification (germline): Uncertain significance (1 of 4 stars; one submission).

Conditions:
Ataxia-telangiectasia syndrome (AT). Also called: Cerebello-oculocutaneous telangiectasia; ATAXIA-TELANGIECTASIA, COMPLEMENTATION GROUP A; ATAXIA-TELANGIECTASIA, FRESNO VARIANT; Ataxia-telangiectasia, complementation group D; AT, COMPLEMENTATION GROUP C; Immunodeficiency with ataxia telangiectasia. Identifiers: Orphanet 100, MedGen C0004135, MONDO:0008840, OMIM 208900.

Submission:

Labcorp Genetics (formerly Invitae), Labcorp
Classification: Uncertain significance for Ataxia-telangiectasia syndrome. Last evaluated: 2022-08-04. Review status: criteria provided, single submitter. Criteria: Invitae Variant Classification Sherloc (09022015). Collection method: clinical testing. Allele origin: germline.
Comment: This sequence change replaces phenylalanine, which is neutral and non-polar, with tyrosine, which is neutral and polar, at codon 1774 of the ATM protein (p.Phe1774Tyr). In summary, the available evidence is currently insufficient to determine the role of this variant in disease. Therefore, it has been classified as a Variant of Uncertain Significance. Algorithms developed to predict the effect of missense changes on protein structure and function are either unavailable or do not agree on the potential impact of this missense change (SIFT: "Tolerated"; PolyPhen-2: "Possibly Damaging"; Align-GVGD: "Class C0"). This variant has not been reported in the literature in individuals affected with ATM-related conditions. This variant is not present in population databases (gnomAD no frequency).